The following is an entry in ClinVar:

ClinVar aggregate classification (germline): Uncertain significance. Review status: criteria provided, multiple submitters, no conflicts (2 of 4 stars). 2 submissions from 2 submitters: Uncertain significance (2). Last evaluated 2024-05-22.

Conditions:
Multiple mitochondrial dysfunctions syndrome 1 (MMDS1). Identifiers: Orphanet 401869, MedGen C3276432, MONDO:0011582, OMIM 605711.

Allele frequency attached by ClinVar (database versions not stated): TOPMed below 0.00001; gnomAD exomes 0.00002.
gnomAD v4.1: 24 of 1,613,980 alleles (0.0015%); highest among the groups gnomAD compares: Non-Finnish European, 0.0019%; no homozygotes.

Submissions (2):

Labcorp Genetics (formerly Invitae), Labcorp
Classification: Uncertain significance for Multiple mitochondrial dysfunctions syndrome 1. Last evaluated: 2024-05-22. Review status: criteria provided, single submitter. Criteria: Invitae Variant Classification Sherloc (09022015). Collection method: clinical testing. Allele origin: germline.
Comment: This sequence change replaces proline, which is neutral and non-polar, with threonine, which is neutral and polar, at codon 233 of the NFU1 protein (p.Pro233Thr). This variant is not present in population databases (gnomAD no frequency). This variant has not been reported in the literature in individuals affected with NFU1-related conditions. ClinVar contains an entry for this variant (Variation ID: 1938422). Advanced modeling of protein sequence and biophysical properties (such as structural, functional, and spatial information, amino acid conservation, physicochemical variation, residue mobility, and thermodynamic stability) performed at Invitae indicates that this missense variant is expected to disrupt NFU1 protein function with a positive predictive value of 80%. In summary, the available evidence is currently insufficient to determine the role of this variant in disease. Therefore, it has been classified as a Variant of Uncertain Significance.

Blueprint Genetics
Classification: Uncertain significance. Last evaluated: 2019-06-05. Review status: criteria provided, single submitter. Criteria: ACMG Guidelines, 2015. Collection method: clinical testing. Allele origin: germline.

NM_001002755.4(NFU1):c.697C>A (p.Pro233Thr)

Gene: NFU1 (NFU1 iron-sulfur cluster scaffold; minus strand). Cytogenetic location: 2p13.3.
Variant type: single nucleotide variant.
Coding change: c.697C>A on transcript NM_001002755.4 (MANE Select); coding-DNA position 697, C replaced by A.
Protein change: p.Pro233Thr; replaces proline 233 with threonine.
Molecular consequence: missense variant. On other transcripts: non-coding transcript variant (1).
Genome position (GRCh38, 1-based): chr2:69,400,387, G>T on the plus strand (C>A on the coding strand, the complement: NFU1 is on the minus strand). VCF-style: chr2-69400387-G-T. GRCh37 (hg19) VCF-style: chr2-69627519-G-T.
Other names: c.274C>A, p.Pro92Thr (NM_001002756.2); c.625C>A, p.Pro209Thr (NM_001374284.1, NM_015700.4); short protein forms P209T, P233T, P92T.
Identifiers: ClinVar variation 1938422 (VCV001938422.6), dbSNP rs890733293, ClinGen allele CA347123249.